The following is an entry in ClinVar:

NM_016148.5(SHANK1):c.3564G>C (p.Thr1188=)

Gene: SHANK1 (SH3 and multiple ankyrin repeat domains 1; minus strand). Cytogenetic location: 19q13.33.
Variant type: single nucleotide variant.
Coding change: c.3564G>C on transcript NM_016148.5 (MANE Select); coding-DNA position 3564, G replaced by C.
Protein change: p.Thr1188=; no amino-acid change (threonine 1188 retained).
Molecular consequence: synonymous variant.
Genome position (GRCh38, 1-based): chr19:50,668,396, C>G on the plus strand (G>C on the coding strand, the complement: SHANK1 is on the minus strand). VCF-style: chr19-50668396-C-G. GRCh37 (hg19) VCF-style: chr19-51171653-C-G.
Identifiers: ClinVar variation 3067373 (VCV003067373.21), dbSNP rs754547471, ClinGen allele CA508310852.

ClinVar aggregate classification (germline): Likely benign (1 of 4 stars; one submission).

Submission:

CeGaT Center for Human Genetics Tuebingen
Classification: Likely benign. Last evaluated: 2024-03-01. Review status: criteria provided, single submitter. Criteria: CeGaT Center For Human Genetics Tuebingen Variant Classification Criteria Version 2. Collection method: clinical testing. Allele origin: germline. Affected: yes. Observed: 1 variant allele.
Comment: SHANK1: PM2:Supporting, BP4, BP7